The following is an entry in ClinVar:

ClinVar aggregate classification (germline): Likely benign (1 of 4 stars; one submission).

Conditions:
SMAD2-related disorder. Also called: SMAD2-related condition; SMAD2-related disorders.

Submission:

PreventionGenetics, part of Exact Sciences
Classification: Likely benign for SMAD2-related condition. Last evaluated: 2025-09-10. Review status: criteria provided, single submitter. Criteria: ACMG Guidelines, 2015. Collection method: clinical testing. Allele origin: germline.
Comment: This variant is classified as likely benign based on ACMG/AMP sequence variant interpretation guidelines (Richards et al. 2015 PMID: 25741868, with internal and published modifications).

NM_005901.6(SMAD2):c.-9G>C

Gene: SMAD2 (SMAD family member 2; minus strand). Cytogenetic location: 18q21.1.
Variant type: single nucleotide variant.
Coding change: c.-9G>C on transcript NM_005901.6 (MANE Select); 9 bases upstream of the start codon, G replaced by C.
Molecular consequence: 5 prime UTR variant.
Genome position (GRCh38, 1-based): chr18:47,896,765, C>G on the plus strand (G>C on the coding strand, the complement: SMAD2 is on the minus strand). VCF-style: chr18-47896765-C-G. GRCh37 (hg19) VCF-style: chr18-45423136-C-G.
Other names: c.-9G>C (NM_001003652.4, NM_001135937.3).
Identifiers: ClinVar variation 4980679 (VCV004980679.1).